The following is an entry in ClinVar:

NM_145059.3(FCSK):c.2522-9G>A

Gene: FCSK (fucose kinase; plus strand). Cytogenetic location: 16q22.1.
Variant type: single nucleotide variant.
Coding change: c.2522-9G>A on transcript NM_145059.3 (MANE Select); 9 bases into the intron before coding-DNA position 2522, G replaced by A.
Molecular consequence: intron variant.
Genome position (GRCh38, 1-based): chr16:70,475,639, G>A. VCF-style: chr16-70475639-G-A. GRCh37 (hg19) VCF-style: chr16-70509542-G-A.
Other names: c.2522-9G>A (NM_145059.2).
Identifiers: ClinVar variation 2064402 (VCV002064402.6), dbSNP rs373214025, ClinGen allele CA8143633.

ClinVar aggregate classification (germline): Benign. Review status: criteria provided, single submitter (1 of 4 stars). 2 submissions from 2 submitters: Benign (1). 1 of the submissions does not count toward it. Last evaluated 2026-01-19.

Conditions:
FCSK-related disorder. Also called: FCSK-related condition.

Allele frequency attached by ClinVar (database versions not stated): ESP Exome Variant Server 0.00016; TOPMed 0.00019; 1000 Genomes Project 0.00379; 1000 Genomes Project 30x 0.00390.
gnomAD v4.1: 1,727 of 1,582,458 alleles (0.11%); highest among the groups gnomAD compares: South Asian, 1.8%; 37 homozygotes.

Submissions (2):

Labcorp Genetics (formerly Invitae), Labcorp
Classification: Benign. Last evaluated: 2026-01-19. Review status: criteria provided, single submitter. Criteria: Invitae Variant Classification Sherloc (09022015). Collection method: clinical testing. Allele origin: germline.

PreventionGenetics, part of Exact Sciences
Classification: Benign for FCSK-related condition. Last evaluated: 2020-01-28. Review status: no assertion criteria provided. Collection method: clinical testing. Allele origin: germline. Not counted in ClinVar's aggregate classification.
Comment: This variant is classified as benign based on ACMG/AMP sequence variant interpretation guidelines (Richards et al. 2015 PMID: 25741868, with internal and published modifications).